The following is an entry in ClinVar:

ClinVar aggregate classification (germline): Uncertain significance (1 of 4 stars; one submission).

Submission:

GeneDx
Classification: Uncertain significance. Last evaluated: 2024-09-20. Review status: criteria provided, single submitter. Criteria: GeneDx Variant Classification Process June 2021. Collection method: clinical testing. Allele origin: germline. Affected: yes.
Comment: In silico analysis supports that this missense variant has a deleterious effect on protein structure/function; Has not been previously published as pathogenic or benign to our knowledge

NM_001429.4(EP300):c.1543G>A (p.Gly515Arg)

Gene: EP300 (E1A binding protein p300; plus strand). Cytogenetic location: 22q13.2.
Variant type: single nucleotide variant.
Coding change: c.1543G>A on transcript NM_001429.4 (MANE Select); coding-DNA position 1543, G replaced by A.
Protein change: p.Gly515Arg; replaces glycine 515 with arginine.
Molecular consequence: missense variant.
Genome position (GRCh38, 1-based): chr22:41,135,827, G>A. VCF-style: chr22-41135827-G-A. GRCh37 (hg19) VCF-style: chr22-41531831-G-A.
Other names: c.1543G>A, p.Gly515Arg (NM_001362843.2); short protein forms G515R.
Identifiers: ClinVar variation 3774278 (VCV003774278.1).